The following is an entry in ClinVar:

NM_015466.4(PTPN23):c.1933A>G (p.Ser645Gly)

Gene: PTPN23 (protein tyrosine phosphatase non-receptor type 23; plus strand). Cytogenetic location: 3p21.31.
Variant type: single nucleotide variant.
Coding change: c.1933A>G on transcript NM_015466.4 (MANE Select); coding-DNA position 1933, A replaced by G.
Protein change: p.Ser645Gly; replaces serine 645 with glycine.
Molecular consequence: missense variant.
Genome position (GRCh38, 1-based): chr3:47,409,552, A>G. VCF-style: chr3-47409552-A-G. GRCh37 (hg19) VCF-style: chr3-47451042-A-G.
Other names: c.1555A>G, p.Ser519Gly (NM_001304482.2); short protein forms S519G, S645G.
Identifiers: ClinVar variation 1510038 (VCV001510038.8), dbSNP rs2107720528, ClinGen allele CA352556376.
Genomic context (GRCh38, chr3:47,409,552, plus strand): 5'-CGTGTCCTCTGTGCACTGACAGAGGCCAACGTGCAGTACGCAGCCGTGCGGCGGGTACTC[A>G]GCGACTTGGACCAAAAGTCAGTGCCCAGTCCTCTGCTCTTTCCCGGAGCCACCTGGAGCC-3'
Protein context (NP_056281.1, residues 635-655): VQYAAVRRVL[Ser645Gly]DLDQKWNSTL

ClinVar aggregate classification (germline): Uncertain significance (1 of 4 stars; one submission).

Submission:

Labcorp Genetics (formerly Invitae), Labcorp
Classification: Uncertain significance. Last evaluated: 2021-05-18. Review status: criteria provided, single submitter. Criteria: Invitae Variant Classification Sherloc (09022015). Collection method: clinical testing. Allele origin: germline.
Comment: In summary, the available evidence is currently insufficient to determine the role of this variant in disease. Therefore, it has been classified as a Variant of Uncertain Significance. Algorithms developed to predict the effect of missense changes on protein structure and function output the following: SIFT: "Tolerated"; PolyPhen-2: "Not Available"; Align-GVGD: "Class C0". The glycine amino acid residue is found in multiple mammalian species, suggesting that this missense change does not adversely affect protein function. These predictions have not been confirmed by published functional studies and their clinical significance is uncertain. This variant has not been reported in the literature in individuals with PTPN23-related conditions. This variant is not present in population databases (ExAC no frequency). This sequence change replaces serine with glycine at codon 645 of the PTPN23 protein (p.Ser645Gly). The serine residue is weakly conserved and there is a small physicochemical difference between serine and glycine.